The following is an entry in ClinVar:

ClinVar aggregate classification (germline): Benign/Likely benign. Review status: criteria provided, multiple submitters, no conflicts (2 of 4 stars). 3 submissions from 3 submitters: Benign (1); Likely benign (1). 1 of the submissions does not count toward it. Last evaluated 2026-01-26.

Conditions:
LRRK1-related disorder. Also called: LRRK1-related condition.

Allele frequency attached by ClinVar (database versions not stated): gnomAD exomes 0.00034 and 0.00070; ExAC 0.00091; 1000 Genomes Project 0.00220; 1000 Genomes Project 30x 0.00250; gnomAD 0.00331 and 0.00359; ESP Exome Variant Server 0.00338.
gnomAD v4.1: 1,018 of 1,613,982 alleles (0.063%); highest among the groups gnomAD compares: African/African-American, 1.2%; 7 homozygotes.

Submissions (3):

Labcorp Genetics (formerly Invitae), Labcorp
Classification: Benign. Last evaluated: 2026-01-26. Review status: criteria provided, single submitter. Criteria: Invitae Variant Classification Sherloc (09022015). Collection method: clinical testing. Allele origin: germline.

Blueprint Genetics
Classification: Likely benign. Last evaluated: 2024-07-05. Review status: criteria provided, single submitter. Criteria: ACMG Guidelines, 2015. Collection method: clinical testing. Allele origin: germline.

PreventionGenetics, part of Exact Sciences
Classification: Benign for LRRK1-related condition. Last evaluated: 2019-11-25. Review status: no assertion criteria provided. Collection method: clinical testing. Allele origin: germline. Not counted in ClinVar's aggregate classification.
Comment: This variant is classified as benign based on ACMG/AMP sequence variant interpretation guidelines (Richards et al. 2015 PMID: 25741868, with internal and published modifications).

NM_024652.6(LRRK1):c.2088C>T (p.Asn696=)

Gene: LRRK1 (leucine rich repeat kinase 1; plus strand). Cytogenetic location: 15q26.3.
Variant type: single nucleotide variant.
Coding change: c.2088C>T on transcript NM_024652.6 (MANE Select); coding-DNA position 2088, C replaced by T.
Protein change: p.Asn696=; no amino-acid change (asparagine 696 retained).
Molecular consequence: synonymous variant.
Genome position (GRCh38, 1-based): chr15:101,024,823, C>T. VCF-style: chr15-101024823-C-T. GRCh37 (hg19) VCF-style: chr15-101565028-C-T.
Other names: c.2088C>T (NM_024652.5).
Identifiers: ClinVar variation 1573966 (VCV001573966.11), dbSNP rs76435780, ClinGen allele CA7761126.